The following is an entry in ClinVar:

ClinVar aggregate classification (germline): Likely benign (0 of 4 stars; one submission).

Conditions:
CEP290-related disorder. Also called: CEP290-related disorders; CEP290-related condition. Identifiers: MedGen CN239314.

Allele frequency attached by ClinVar (database versions not stated): gnomAD exomes below 0.00001.

Submission:

PreventionGenetics, part of Exact Sciences
Classification: Likely benign for CEP290-related condition. Last evaluated: 2023-06-16. Review status: no assertion criteria provided. Collection method: clinical testing. Allele origin: germline.
Comment: This variant is classified as likely benign based on ACMG/AMP sequence variant interpretation guidelines (Richards et al. 2015 PMID: 25741868, with internal and published modifications).

NM_025114.4(CEP290):c.5226+6_5226+7insGG

Gene: CEP290 (centrosomal protein 290; minus strand). Cytogenetic location: 12q21.32.
Variant type: Insertion.
Coding change: c.5226+6_5226+7insGG on transcript NM_025114.4 (MANE Select); bases 6 to 7 of the intron after coding-DNA position 5226, GG inserted.
Molecular consequence: intron variant.
Genome position: GRCh38 VCF-style: chr12-88080175-T-TCC. GRCh37 (hg19) VCF-style: chr12-88473952-T-TCC.
Identifiers: ClinVar variation 3030671 (VCV003030671.2), dbSNP rs2499906848, ClinGen allele CA2620106369.